The following is an entry in ClinVar:

ClinVar aggregate classification (germline): Likely benign (1 of 4 stars; one submission).

gnomAD v4.1: 95 of 1,613,930 alleles (0.0059%); highest among the groups gnomAD compares: Admixed American, 0.16%; no homozygotes.

Submission:

CeGaT Center for Human Genetics Tuebingen
Classification: Likely benign. Last evaluated: 2026-02-01. Review status: criteria provided, single submitter. Criteria: CeGaT Center For Human Genetics Tuebingen Variant Classification Criteria Version 2. Collection method: clinical testing. Allele origin: germline. Affected: yes. Observed: 1 variant allele.
Comment: MYBPC1: BP4, BP7

NM_002465.4(MYBPC1):c.2361G>A (p.Glu787=)

Gene: MYBPC1 (myosin binding protein C1; plus strand). Cytogenetic location: 12q23.2.
Variant type: single nucleotide variant.
Coding change: c.2361G>A on transcript NM_002465.4 (MANE Select); coding-DNA position 2361, G replaced by A.
Protein change: p.Glu787=; no amino-acid change (glutamic acid 787 retained).
Molecular consequence: synonymous variant.
Genome position (GRCh38, 1-based): chr12:101,667,736, G>A. VCF-style: chr12-101667736-G-A. GRCh37 (hg19) VCF-style: chr12-102061514-G-A.
Other names: c.2340G>A, p.Glu780= (NM_001254718.3, NM_206820.4); c.2286G>A, p.Glu762= (NM_001254719.3, NM_206821.4); c.2250G>A, p.Glu750= (NM_001254720.3); c.2229G>A, p.Glu743= (NM_001254721.3, NM_001404676.1, NM_001404678.1); c.2208G>A, p.Glu736= (NM_001254722.3, NM_001404680.1); c.2247G>A, p.Glu749= (NM_001254723.3); c.2361G>A, p.Glu787= (NM_001404675.1, NM_206819.4); c.2151G>A, p.Glu717= (NM_001404677.1, NM_001404679.1, NM_001404681.1).
Identifiers: ClinVar variation 4822630 (VCV004822630.4).